The following is an entry in ClinVar:

NM_004281.4(BAG3):c.473C>T (p.Ala158Val)

Gene: BAG3 (BAG cochaperone 3; plus strand). Cytogenetic location: 10q26.11.
Variant type: single nucleotide variant.
Coding change: c.473C>T on transcript NM_004281.4 (MANE Select); coding-DNA position 473, C replaced by T.
Protein change: p.Ala158Val; replaces alanine 158 with valine.
Molecular consequence: missense variant.
Genome position (GRCh38, 1-based): chr10:119,670,143, C>T. VCF-style: chr10-119670143-C-T. GRCh37 (hg19) VCF-style: chr10-121429655-C-T.
Other names: short protein forms A158V.
Identifiers: ClinVar variation 853526 (VCV000853526.6), dbSNP rs369981590, ClinGen allele CA5716328.
Genomic context (GRCh38, chr10:119,670,143, plus strand): 5'-TGCGGGGCATGCCAGAAACCACTCAGCCAGATAAACAGTGTGGACAGGTGGCAGCGGCGG[C>T]GGCAGCCCAGCCCCCAGCCTCCCACGGACCTGAGGTAAGGAGAGGCCAGGCTCACCAGCC-3'
Protein context (NP_004272.2, residues 148-168): DKQCGQVAAA[Ala158Val]AAQPPASHGP

ClinVar aggregate classification (germline): Conflicting classifications of pathogenicity. Review status: criteria provided, conflicting classifications (1 of 4 stars). 2 submissions from 2 submitters: Uncertain significance (1); Likely benign (1). Last evaluated 2024-10-28.

Conditions:
Myofibrillar myopathy 6. Identifiers: Orphanet 199340, MedGen C2751831, MONDO:0013061, OMIM 612954.
Dilated cardiomyopathy 1HH (CMD1HH). Identifiers: Orphanet 154, MedGen C3151293, MONDO:0013479, OMIM 613881.

Allele frequency attached by ClinVar (database versions not stated): gnomAD 0.00001; ExAC 0.00003; gnomAD exomes 0.00003; TOPMed 0.00003; ESP Exome Variant Server 0.00008.

Submissions (2):

Labcorp Genetics (formerly Invitae), Labcorp
Classification: Uncertain significance for Dilated cardiomyopathy 1HH; Myofibrillar myopathy 6. Last evaluated: 2024-10-28. Review status: criteria provided, single submitter. Criteria: Invitae Variant Classification Sherloc (09022015). Collection method: clinical testing. Allele origin: germline.
Comment: This sequence change replaces alanine, which is neutral and non-polar, with valine, which is neutral and non-polar, at codon 158 of the BAG3 protein (p.Ala158Val). This variant is present in population databases (rs369981590, gnomAD 0.02%). This variant has not been reported in the literature in individuals affected with BAG3-related conditions. ClinVar contains an entry for this variant (Variation ID: 853526). Invitae Evidence Modeling of protein sequence and biophysical properties (such as structural, functional, and spatial information, amino acid conservation, physicochemical variation, residue mobility, and thermodynamic stability) indicates that this missense variant is not expected to disrupt BAG3 protein function with a negative predictive value of 80%. In summary, the available evidence is currently insufficient to determine the role of this variant in disease. Therefore, it has been classified as a Variant of Uncertain Significance.

Blueprint Genetics
Classification: Likely benign. Last evaluated: 2024-04-19. Review status: criteria provided, single submitter. Criteria: ACMG Guidelines, 2015. Collection method: clinical testing. Allele origin: germline.